The following is an entry in ClinVar:

NM_033026.6(PCLO):c.13744G>A (p.Ala4582Thr)

Gene: PCLO (piccolo presynaptic cytomatrix protein; minus strand). Cytogenetic location: 7q21.11.
Variant type: single nucleotide variant.
Coding change: c.13744G>A on transcript NM_033026.6 (MANE Select); coding-DNA position 13744, G replaced by A.
Protein change: p.Ala4582Thr; replaces alanine 4582 with threonine.
Molecular consequence: missense variant.
Genome position (GRCh38, 1-based): chr7:82,847,158, C>T on the plus strand (G>A on the coding strand, the complement: PCLO is on the minus strand). VCF-style: chr7-82847158-C-T. GRCh37 (hg19) VCF-style: chr7-82476474-C-T.
Other names: c.13744G>A, p.Ala4582Thr (NM_014510.3); short protein forms A4582T.
Identifiers: ClinVar variation 4771880 (VCV004771880.1).

ClinVar aggregate classification (germline): Uncertain significance (1 of 4 stars; one submission).

gnomAD v4.1: 6 of 1,590,104 alleles (0.00038%); highest among the groups gnomAD compares: Non-Finnish European, 0.00052%; no homozygotes.

Submission:

Labcorp Genetics (formerly Invitae), Labcorp
Classification: Uncertain significance. Last evaluated: 2025-11-27. Review status: criteria provided, single submitter. Criteria: Invitae Variant Classification Sherloc (09022015). Collection method: clinical testing. Allele origin: germline.
Comment: This sequence change replaces alanine, which is neutral and non-polar, with threonine, which is neutral and polar, at codon 4582 of the PCLO protein (p.Ala4582Thr). This variant is not present in population databases (gnomAD no frequency). This variant has not been reported in the literature in individuals affected with PCLO-related conditions. Experimental studies and prediction algorithms are not available or were not evaluated, and the functional significance of this variant is currently unknown. In summary, the available evidence is currently insufficient to determine the role of this variant in disease. Therefore, it has been classified as a Variant of Uncertain Significance.